The following is an entry in ClinVar:

ClinVar aggregate classification (germline): Uncertain significance (1 of 4 stars; one submission).

Conditions:
Arrhythmogenic cardiomyopathy with wooly hair and keratoderma. Also called: Arrhythmogenic cardiomyopathy with woolly hair and keratoderma; PALMOPLANTAR KERATODERMA WITH LEFT VENTRICULAR CARDIOMYOPATHY AND WOOLLY HAIR; Carvajal syndrome; Dilated cardiomyopathy with woolly hair and keratoderma. Identifiers: Orphanet 65282, MedGen C1854063, MONDO:0011581, OMIM 605676.
Arrhythmogenic right ventricular dysplasia 8 (ARVD8). Also called: Arrhythmogenic Right Ventricular Dysplasia/Cardiomyopathy 8; ARRHYTHMOGENIC RIGHT VENTRICULAR DYSPLASIA, FAMILIAL, 8; ARRHYTHMOGENIC RIGHT VENTRICULAR CARDIOMYOPATHY 8. Identifiers: MedGen C1843896, MONDO:0011831, OMIM 607450.

gnomAD v4.1: 1 of 1,613,842 alleles (0.000062%); highest among the groups gnomAD compares: Non-Finnish European, 0.000085%; no homozygotes.

Submission:

Labcorp Genetics (formerly Invitae), Labcorp
Classification: Uncertain significance for Arrhythmogenic cardiomyopathy with wooly hair and keratoderma; Arrhythmogenic right ventricular dysplasia 8. Last evaluated: 2025-01-23. Review status: criteria provided, single submitter. Criteria: Invitae Variant Classification Sherloc (09022015). Collection method: clinical testing. Allele origin: germline.
Comment: This sequence change replaces glutamic acid, which is acidic and polar, with lysine, which is basic and polar, at codon 831 of the DSP protein (p.Glu831Lys). This variant is not present in population databases (gnomAD no frequency). This variant has not been reported in the literature in individuals affected with DSP-related conditions. An algorithm developed to predict the effect of missense changes on protein structure and function (PolyPhen-2) suggests that this variant is likely to be tolerated. In summary, the available evidence is currently insufficient to determine the role of this variant in disease. Therefore, it has been classified as a Variant of Uncertain Significance.

NM_004415.4(DSP):c.2491G>A (p.Glu831Lys)

Gene: DSP (desmoplakin; plus strand). Cytogenetic location: 6p24.3.
Variant type: single nucleotide variant.
Coding change: c.2491G>A on transcript NM_004415.4 (MANE Select); coding-DNA position 2491, G replaced by A.
Protein change: p.Glu831Lys; replaces glutamic acid 831 with lysine.
Molecular consequence: missense variant.
Genome position (GRCh38, 1-based): chr6:7,575,349, G>A. VCF-style: chr6-7575349-G-A. GRCh37 (hg19) VCF-style: chr6-7575582-G-A.
Other names: c.2491G>A, p.Glu831Lys (NM_001008844.3, NM_001319034.2); short protein forms E831K.
Identifiers: ClinVar variation 3760427 (VCV003760427.2).